The following is an entry in ClinVar:

NM_000138.5(FBN1):c.4424G>C (p.Gly1475Ala)

Gene: FBN1 (fibrillin 1; minus strand). Cytogenetic location: 15q21.1.
Variant type: single nucleotide variant.
Coding change: c.4424G>C on transcript NM_000138.5 (MANE Select); coding-DNA position 4424, G replaced by C.
Protein change: p.Gly1475Ala; replaces glycine 1475 with alanine.
Molecular consequence: missense variant.
Genome position (GRCh38, 1-based): chr15:48,470,669, C>G on the plus strand (G>C on the coding strand, the complement: FBN1 is on the minus strand). VCF-style: chr15-48470669-C-G. GRCh37 (hg19) VCF-style: chr15-48762866-C-G.
Other names: c.4424G>C, p.Gly1475Ala (NM_001406716.1); short protein forms G1475A.
Identifiers: ClinVar variation 3754069 (VCV003754069.2).
Genomic context (GRCh38, chr15:48,470,669, plus strand): 5'-ATTTTGATGCCAGTGGAGGTCTTACCTGTGCAGTTCCCGCCGCTTCTGTCCAGTTCGTAG[C>G]CTATCTCACACTCACAGCGGAACAGGCCAGGGAGGTTGTGGCAAGTTCCAAAGACACAGA-3'
Protein context (NP_000129.3, residues 1465-1485): PGLFRCECEI[Gly1475Ala]YELDRSGGNC

ClinVar aggregate classification (germline): Likely pathogenic (1 of 4 stars; one submission).

Conditions:
Marfan syndrome (MFS). Also called: MARFAN SYNDROME, TYPE I; Marfan syndrome type 1; Marfan's syndrome; Marfan syndrome, classic; FBN1-Related Marfan Syndrome. Identifiers: Orphanet 284963, Orphanet 558, MedGen C0024796, MONDO:0007947, OMIM 154700.
Familial thoracic aortic aneurysm and aortic dissection (TAAD). Also called: Thoracic aortic aneurysms and dissections. Identifiers: Orphanet 91387, MedGen C4707243, MONDO:0019625.

Submission:

Labcorp Genetics (formerly Invitae), Labcorp
Classification: Likely pathogenic for Marfan syndrome; Familial thoracic aortic aneurysm and aortic dissection. Last evaluated: 2024-04-24. Review status: criteria provided, single submitter. Criteria: Invitae Variant Classification Sherloc (09022015). Collection method: clinical testing. Allele origin: germline.
Comment: This sequence change replaces glycine, which is neutral and non-polar, with alanine, which is neutral and non-polar, at codon 1475 of the FBN1 protein (p.Gly1475Ala). This variant is not present in population databases (gnomAD no frequency). This variant has not been reported in the literature in individuals affected with FBN1-related conditions. Advanced modeling of protein sequence and biophysical properties (such as structural, functional, and spatial information, amino acid conservation, physicochemical variation, residue mobility, and thermodynamic stability) performed at Invitae indicates that this missense variant is expected to disrupt FBN1 protein function with a positive predictive value of 95%. This variant disrupts the p.Gly1475 amino acid residue in FBN1. Other variant(s) that disrupt this residue have been observed in individuals with FBN1-related conditions (PMID: 16220557, 25652356), which suggests that this may be a clinically significant amino acid residue. In summary, the currently available evidence indicates that the variant is pathogenic, but additional data are needed to prove that conclusively. Therefore, this variant has been classified as Likely Pathogenic.

Literature cited by the submitters: PubMed 16220557; PubMed 25652356.